The following is an entry in ClinVar:

NM_001351132.2(PEX5):c.837A>G (p.Ser279=)

Gene: PEX5 (peroxisomal biogenesis factor 5; plus strand). Cytogenetic location: 12p13.31.
Variant type: single nucleotide variant.
Coding change: c.837A>G on transcript NM_001351132.2 (MANE Select); coding-DNA position 837, A replaced by G.
Protein change: p.Ser279=; no amino-acid change (serine 279 retained).
Molecular consequence: synonymous variant.
Genome position (GRCh38, 1-based): chr12:7,202,695, A>G. VCF-style: chr12-7202695-A-G. GRCh37 (hg19) VCF-style: chr12-7355291-A-G.
Other names: c.726A>G, p.Ser242= (NM_001351124.3, NM_001351126.2, NM_001351127.2 and 10 more transcripts); c.837A>G, p.Ser279= (NM_001351131.2, NM_001351133.2, NM_001351134.2 and 6 more transcripts); c.771A>G, p.Ser257= (NM_001351135.3, NM_001351138.2); c.882A>G, p.Ser294= (NM_001131023.2).
Identifiers: ClinVar variation 1675482 (VCV001675482.38), dbSNP rs2136159396, ClinGen allele CA478186195.

ClinVar aggregate classification (germline): Likely benign. Review status: criteria provided, multiple submitters, no conflicts (2 of 4 stars). 2 submissions from 2 submitters: Likely benign (2). Last evaluated 2025-09-10.

Conditions:
Peroxisome biogenesis disorder 2B (PBD2B). Identifiers: Orphanet 44, MedGen C3550234, MONDO:0008736, OMIM 202370.

Allele frequency attached by ClinVar (database versions not stated): gnomAD exomes below 0.00001.
gnomAD v4.1: 1 of 1,613,072 alleles (0.000062%); highest among the groups gnomAD compares: Non-Finnish European, 0.000085%; no homozygotes.

Submissions (2):

Labcorp Genetics (formerly Invitae), Labcorp
Classification: Likely benign for Peroxisome biogenesis disorder 2B. Last evaluated: 2025-09-10. Review status: criteria provided, single submitter. Criteria: Invitae Variant Classification Sherloc (09022015). Collection method: clinical testing. Allele origin: germline.

CeGaT Center for Human Genetics Tuebingen
Classification: Likely benign. Last evaluated: 2022-03-01. Review status: criteria provided, single submitter. Criteria: CeGaT Center For Human Genetics Tuebingen Variant Classification Criteria Version 2. Collection method: clinical testing. Allele origin: germline. Affected: yes. Observed: 1 variant allele.
Comment: PEX5: BP4, BP7